The following is an entry in ClinVar:

ClinVar aggregate classification (germline): Uncertain significance. Review status: criteria provided, single submitter (1 of 4 stars). 2 submissions from 2 submitters: Uncertain significance (1). 1 of the submissions does not count toward it. Last evaluated 2025-10-10.

Conditions:
Usher syndrome type 1F (USH1F). Also called: USHER SYNDROME, TYPE IF. Identifiers: Orphanet 231169, Orphanet 886, MedGen C1865885, MONDO:0011186, OMIM 602083.

Submissions (2):

Myriad Genetics, Inc.
Classification: Uncertain significance for Usher syndrome type 1F. Last evaluated: 2025-10-10. Review status: criteria provided, single submitter. Criteria: Myriad Autosomal Dominant, Autosomal Recessive and X-Linked Classification Criteria (2023). Collection method: clinical testing. Allele origin: unknown.
Comment: NM_033056.3(PCDH15):c.5376_5381del6(P1793_T1794del) is an in-frame deletion classified as a variant of uncertain significance in the context of PCDH15-related disorders. P1793_T1794del has not been observed in cases with relevant disease. Relevant functional assessments of this variant are not available in the literature. P1793_T1794del has not been observed in referenced population frequency databases. In summary, there is insufficient evidence to classify NM_033056.3(PCDH15):c.5376_5381del6(P1793_T1794del) as pathogenic or benign. Please note: this variant was assessed in the context of healthy population screening.

Natera, Inc.
Classification: Uncertain significance for Usher syndrome type 1F. Last evaluated: 2025-01-09. Review status: no assertion criteria provided. Collection method: clinical testing. Allele origin: germline. Not counted in ClinVar's aggregate classification.

NM_033056.4(PCDH15):c.5376_5381del (p.Pro1793_Thr1794del)

Gene: PCDH15 (protocadherin related 15; minus strand). Cytogenetic location: 10q21.1.
Variant type: Deletion.
Coding change: c.5376_5381del on transcript NM_033056.4 (MANE Plus Clinical); coding-DNA positions 5376 to 5381, 6 bases deleted (TCCTAC; older notation c.5376_5381delTCCTAC).
Protein change: p.Pro1793_Thr1794del.
Molecular consequence: inframe deletion. On other transcripts: intron variant (8).
Genome position (GRCh38, 1-based): chr10:53,822,345-53,822,350, GTAGGA deleted on the plus strand (TCCTAC on the coding strand, the reverse complement: PCDH15 is on the minus strand); deleting any 6 consecutive bases within chr10:53,822,345-53,822,351 gives the same sequence; the c. name uses the placement nearest the transcript's 3' end. VCF-style (leftmost placement, unchanged base first): chr10-53822344-TGTAGGA-T. GRCh37 (hg19) VCF-style: chr10-55582104-TGTAGGA-T.
Other names: c.5397_5402del, p.Pro1800_Thr1801del (NM_001142763.2); c.5382_5387del, p.Pro1795_Thr1796del (NM_001142764.2); c.5169_5174del, p.Pro1724_Thr1725del (NM_001142765.2); c.5367_5372del, p.Pro1790_Thr1791del (NM_001142766.2); c.5256_5261del, p.Pro1753_Thr1754del (NM_001142767.2); c.5316_5321del, p.Pro1773_Thr1774del (NM_001142768.2); c.5307_5312del, p.Pro1770_Thr1771del (NM_001142773.2); c.5310_5315del, p.Pro1771_Thr1772del (NM_001354404.2); and 7 more.
Identifiers: ClinVar variation 4059470 (VCV004059470.2).
Genomic context (GRCh38, chr10:53,822,344, plus strand): 5'-AAATGGAGGTAGAAGAGGTGGTGTTGGGGGACCAGACGTTGAAACGGAAAGTGGAAAAAA[TGTAGGA>T]GGAGGAAGAGGAAGAGGGATAGAAGGAGGAGAGGGAGGAGGACAAAAAAGAGAAAAAGGA-3'